The following is an entry in ClinVar:

NM_000143.4(FH):c.214A>C (p.Thr72Pro)

Gene: FH (fumarate hydratase; minus strand). Cytogenetic location: 1q43.
Variant type: single nucleotide variant.
Coding change: c.214A>C on transcript NM_000143.4 (MANE Select); coding-DNA position 214, A replaced by C.
Protein change: p.Thr72Pro; replaces threonine 72 with proline.
Molecular consequence: missense variant.
Genome position (GRCh38, 1-based): chr1:241,517,235, T>G on the plus strand (A>C on the coding strand, the complement: FH is on the minus strand). VCF-style: chr1-241517235-T-G. GRCh37 (hg19) VCF-style: chr1-241680535-T-G.
Other names: short protein forms T72P.
Identifiers: ClinVar variation 265145 (VCV000265145.20), dbSNP rs886039362, ClinGen allele CA10588293.

ClinVar aggregate classification (germline): Likely pathogenic. Review status: criteria provided, multiple submitters, no conflicts (2 of 4 stars). 4 submissions from 4 submitters: Likely pathogenic (4). Last evaluated 2024-10-17.

Conditions:
Hereditary cancer-predisposing syndrome. Also called: Tumor predisposition; Neoplastic Syndromes, Hereditary; Hereditary neoplastic syndrome; Hereditary Cancer Syndrome. Identifiers: Orphanet 140162, MedGen C0027672, MeSH D009386, MONDO:0015356.
Fumarase deficiency (FMRD). Also called: Fumarate Hydratase Deficiency; Fumaric aciduria. Identifiers: Orphanet 24, MedGen C0342770, MONDO:0011730, OMIM 606812.

Submissions (4):

GeneDx
Classification: Likely pathogenic. Last evaluated: 2024-10-17. Review status: criteria provided, single submitter. Criteria: GeneDx Variant Classification Process June 2021. Collection method: clinical testing. Allele origin: germline. Affected: yes.
Comment: Not observed at significant frequency in large population cohorts (gnomAD); In silico analysis supports that this missense variant has a deleterious effect on protein structure/function; This variant is associated with the following publications: (PMID: 26945337, 35659509, 31831373)

Ambry Genetics
Classification: Likely pathogenic for Hereditary cancer-predisposing syndrome. Last evaluated: 2023-08-14. Review status: criteria provided, single submitter. Criteria: Ambry Variant Classification Scheme 2023. Collection method: clinical testing. Allele origin: germline.
Comment: The p.T72P variant (also known as c.214A>C), located in coding exon 2 of the FH gene, results from an A to C substitution at nucleotide position 214. The threonine at codon 72 is replaced by proline, an amino acid with highly similar properties. This alteration has been observed in at least one individual with a personal and/or family history that is consistent with FH-related disease (Ambry internal data). In addition, this alteration was identified in three individuals in the same family who all had cutaneous leiomyomata (Forde C et al. Eur Urol Oncol, 2020 12;3:764-772). Based on internal structural analysis, this amino acid substitution is predicted to disrupt the tetramer structure of the protein (Ambry internal data; Phan I et al. Acta Crystallogr. Sect. F Struct. Biol. Cryst. 2011 Sep;67(Pt 9):1123-8). This amino acid position is highly conserved in available vertebrate species. In addition, this alteration is predicted to be deleterious by in silico analysis. This variant is considered to be rare based on population cohorts in the Genome Aggregation Database (gnomAD). Based on the majority of available evidence to date, this variant is likely to be pathogenic.

Labcorp Genetics (formerly Invitae), Labcorp
Classification: Likely pathogenic. Last evaluated: 2023-02-24. Review status: criteria provided, single submitter. Criteria: Invitae Variant Classification Sherloc (09022015). Collection method: clinical testing. Allele origin: germline.
Comment: In summary, the currently available evidence indicates that the variant is pathogenic, but additional data are needed to prove that conclusively. Therefore, this variant has been classified as Likely Pathogenic. Advanced modeling of protein sequence and biophysical properties (such as structural, functional, and spatial information, amino acid conservation, physicochemical variation, residue mobility, and thermodynamic stability) performed at Invitae indicates that this missense variant is expected to disrupt FH protein function. ClinVar contains an entry for this variant (Variation ID: 265145). This missense change has been observed in individual(s) with clinical features of FH-related conditions (PMID: 31831373; Invitae). It has also been observed to segregate with disease in related individuals. This variant is not present in population databases (gnomAD no frequency). This sequence change replaces threonine, which is neutral and polar, with proline, which is neutral and non-polar, at codon 72 of the FH protein (p.Thr72Pro).

Department of Molecular Diagnostics, Institute of Oncology Ljubljana
Classification: Likely pathogenic for Fumarase deficiency. Last evaluated: 2021-04-22. Review status: criteria provided, single submitter. Criteria: ACMG Guidelines, 2015. Collection method: clinical testing. Allele origin: germline. Inheritance: Autosomal dominant inheritance. Affected: yes. Observed: 1 variant allele.

Literature cited by the submitters: PubMed 21904061 (cited by Ambry Genetics); PubMed 31831373 (cited by Ambry Genetics and Labcorp Genetics (formerly Invitae), Labcorp).